The following is an entry in ClinVar:

NM_014467.3(SRPX2):c.1217+2T>A

Gene: SRPX2 (sushi repeat containing protein X-linked 2; plus strand). Cytogenetic location: Xq22.1.
Variant type: single nucleotide variant.
Coding change: c.1217+2T>A on transcript NM_014467.3 (MANE Select); the canonical splice donor site of the intron after coding-DNA position 1217, T replaced by A.
Molecular consequence: splice donor variant.
Genome position (GRCh38, 1-based): chrX:100,669,371, T>A. VCF-style: chrX-100669371-T-A. GRCh37 (hg19) VCF-style: chrX-99924368-T-A.
Identifiers: ClinVar variation 1306855 (VCV001306855.4), dbSNP rs1477194587, ClinGen allele CA413916589.
Genomic context (GRCh38, chrX:100,669,371, plus strand): 5'-CAGGAGGTGGGGCGCATCCGGGAGCAACAGCTGTCAGCCAACATCATCGAGGAGCTCAGG[T>A]CCAGGCTGGGAGGCTGCCAAACTTGGGGGGAGGGGGGGCTGGGGCGGGGGGAGAAACCCT-3'

ClinVar aggregate classification (germline): Uncertain significance (1 of 4 stars; one submission).

Allele frequency attached by ClinVar (database versions not stated): gnomAD exomes below 0.00001 and 0.00001.
gnomAD v4.1: 3 of 865,793 alleles (0.00035%); highest among the groups gnomAD compares: Non-Finnish European, 0.0003%; no homozygotes.

Submission:

GeneDx
Classification: Uncertain significance. Last evaluated: 2022-08-01. Review status: criteria provided, single submitter. Criteria: GeneDx Variant Classification Process June 2021. Collection method: clinical testing. Allele origin: germline. Affected: yes.
Comment: Canonical splice site variant in a gene or region of a gene for which loss of function is not a well-established mechanism of disease; Not observed at significant frequency in large population cohorts (gnomAD); Has not been previously published as pathogenic or benign to our knowledge; Variants in candidate genes are classified as variants of uncertain significance in accordance with ACMG guidelines (Richards et al., 2015)